The following is an entry in ClinVar:

NM_015072.5(TTLL5):c.319C>G (p.Pro107Ala)

Gene: TTLL5 (tubulin tyrosine ligase like 5; plus strand). Cytogenetic location: 14q24.3.
Variant type: single nucleotide variant.
Coding change: c.319C>G on transcript NM_015072.5 (MANE Select); coding-DNA position 319, C replaced by G.
Protein change: p.Pro107Ala; replaces proline 107 with alanine.
Molecular consequence: missense variant.
Genome position (GRCh38, 1-based): chr14:75,683,604, C>G. VCF-style: chr14-75683604-C-G. GRCh37 (hg19) VCF-style: chr14-76149947-C-G.
Other names: short protein forms P107A.
Identifiers: ClinVar variation 2005240 (VCV002005240.4), dbSNP rs768330018, ClinGen allele CA390452509.

ClinVar aggregate classification (germline): Uncertain significance (1 of 4 stars; one submission).

Submission:

Labcorp Genetics (formerly Invitae), Labcorp
Classification: Uncertain significance. Last evaluated: 2022-06-12. Review status: criteria provided, single submitter. Criteria: Invitae Variant Classification Sherloc (09022015). Collection method: clinical testing. Allele origin: germline.
Comment: In summary, the available evidence is currently insufficient to determine the role of this variant in disease. Therefore, it has been classified as a Variant of Uncertain Significance. Algorithms developed to predict the effect of missense changes on protein structure and function (SIFT, PolyPhen-2, Align-GVGD) all suggest that this variant is likely to be tolerated. This variant has not been reported in the literature in individuals affected with TTLL5-related conditions. This variant is not present in population databases (gnomAD no frequency). This sequence change replaces proline, which is neutral and non-polar, with alanine, which is neutral and non-polar, at codon 107 of the TTLL5 protein (p.Pro107Ala).